The following is an entry in ClinVar:

NM_003970.4(MYOM2):c.1463-8C>G

Gene: MYOM2 (myomesin 2; plus strand). Cytogenetic location: 8p23.3.
Variant type: single nucleotide variant.
Coding change: c.1463-8C>G on transcript NM_003970.4 (MANE Select); 8 bases into the intron before coding-DNA position 1463, C replaced by G.
Molecular consequence: intron variant.
Genome position (GRCh38, 1-based): chr8:2,079,552, C>G. VCF-style: chr8-2079552-C-G. GRCh37 (hg19) VCF-style: chr8-2027633-C-G.
Other names: NC_000008.10:g.2027633C>G.
Identifiers: ClinVar variation 3060159 (VCV003060159.3), dbSNP rs1440291, ClinGen allele CA170450732.

ClinVar aggregate classification (germline): Benign (0 of 4 stars; one submission).

Conditions:
MYOM2-related disorder. Also called: MYOM2-related condition.

Allele frequency attached by ClinVar (database versions not stated): TOPMed 0.23249; 1000 Genomes Project 0.21466; 1000 Genomes Project 30x 0.21643; ESP Exome Variant Server 0.24773; ExAC 0.22820; gnomAD exomes 0.23763; gnomAD 0.23988.
gnomAD v4.1: 383,364 of 1,611,860 alleles (24%); highest among the groups gnomAD compares: African/African-American, 26%; 46,846 homozygotes.

Submissions (4):

PreventionGenetics, part of Exact Sciences
Classification: Benign for MYOM2-related condition. Last evaluated: 2019-10-21. Review status: no assertion criteria provided. Collection method: clinical testing. Allele origin: germline.
Comment: This variant is classified as benign based on ACMG/AMP sequence variant interpretation guidelines (Richards et al. 2015 PMID: 25741868, with internal and published modifications).

Dr. Peter K. Rogan Lab, Western University
No classification provided (evidence only). Condition: Malignant lymphoma, large B-cell, diffuse. Review status: no classification provided. Collection method: in vitro. Allele origin: not applicable. Functional consequence: retained intron. Not counted in ClinVar's aggregate classification.

Dr. Peter K. Rogan Lab, Western University
No classification provided (evidence only). Condition: Nonpapillary renal cell carcinoma. Review status: no classification provided. Collection method: in vitro. Allele origin: not applicable. Functional consequence: retained intron. Not counted in ClinVar's aggregate classification.

Dr. Peter K. Rogan Lab, Western University
No classification provided (evidence only). Condition: Hepatocellular carcinoma. Review status: no classification provided. Collection method: in vitro. Allele origin: not applicable. Functional consequence: retained intron. Not counted in ClinVar's aggregate classification.